The following is an entry in ClinVar:

ClinVar aggregate classification (germline): Uncertain significance. Review status: criteria provided, multiple submitters, no conflicts (2 of 4 stars). 2 submissions from 2 submitters: Uncertain significance (2). Last evaluated 2025-05-06.

Conditions:
Progressive familial heart block type IB (PFHB1B). Identifiers: Orphanet 871, MedGen C1970298, MONDO:0011474, OMIM 604559.
Cardiovascular phenotype. Identifiers: MedGen CN230736.

Allele frequency attached by ClinVar (database versions not stated): gnomAD exomes below 0.00001.
gnomAD v4.1: 1 of 1,614,194 alleles (0.000062%); highest among the groups gnomAD compares: Admixed American, 0.0017%; no homozygotes.

Submissions (2):

Ambry Genetics
Classification: Uncertain significance for Cardiovascular phenotype. Last evaluated: 2025-05-06. Review status: criteria provided, single submitter. Criteria: Ambry Variant Classification Scheme 2023. Collection method: clinical testing. Allele origin: germline.
Comment: The p.P647L variant (also known as c.1940C>T), located in coding exon 14 of the TRPM4 gene, results from a C to T substitution at nucleotide position 1940. The proline at codon 647 is replaced by leucine, an amino acid with similar properties. This amino acid position is well conserved in available vertebrate species. In addition, this alteration is predicted to be tolerated by in silico analysis. Since supporting evidence is limited at this time, the clinical significance of this alteration remains unclear.

Labcorp Genetics (formerly Invitae), Labcorp
Classification: Uncertain significance for Progressive familial heart block type IB. Last evaluated: 2021-07-19. Review status: criteria provided, single submitter. Criteria: Invitae Variant Classification Sherloc (09022015). Collection method: clinical testing. Allele origin: germline.
Comment: This sequence change replaces proline with leucine at codon 647 of the TRPM4 protein (p.Pro647Leu). The proline residue is moderately conserved and there is a moderate physicochemical difference between proline and leucine. This variant is not present in population databases (ExAC no frequency). This variant has not been reported in the literature in individuals with TRPM4-related conditions. Algorithms developed to predict the effect of missense changes on protein structure and function (SIFT, PolyPhen-2, Align-GVGD) all suggest that this variant is likely to be tolerated, but these predictions have not been confirmed by published functional studies and their clinical significance is uncertain. In summary, the available evidence is currently insufficient to determine the role of this variant in disease. Therefore, it has been classified as a Variant of Uncertain Significance.

NM_017636.4(TRPM4):c.1940C>T (p.Pro647Leu)

Gene: TRPM4 (transient receptor potential cation channel subfamily M member 4; plus strand). Cytogenetic location: 19q13.33.
Variant type: single nucleotide variant.
Coding change: c.1940C>T on transcript NM_017636.4 (MANE Select); coding-DNA position 1940, C replaced by T.
Protein change: p.Pro647Leu; replaces proline 647 with leucine.
Molecular consequence: missense variant.
Genome position (GRCh38, 1-based): chr19:49,189,012, C>T. VCF-style: chr19-49189012-C-T. GRCh37 (hg19) VCF-style: chr19-49692269-C-T.
Other names: c.1940C>T, p.Pro647Leu (NM_001195227.2); c.1595C>T, p.Pro532Leu (NM_001321281.2); c.332C>T, p.Pro111Leu (NM_001321282.2); c.1418C>T, p.Pro473Leu (NM_001321283.2); c.878C>T, p.Pro293Leu (NM_001321285.2); short protein forms P473L, P111L, P293L, P532L, P647L.
Identifiers: ClinVar variation 1346714 (VCV001346714.11), dbSNP rs201329004, ClinGen allele CA406803867.